The following is an entry in ClinVar:

ClinVar aggregate classification (germline): Uncertain significance. Review status: criteria provided, multiple submitters, no conflicts (2 of 4 stars). 2 submissions from 2 submitters: Uncertain significance (2). Last evaluated 2026-09-11.

Conditions:
Desmin-related myofibrillar myopathy (MFM1). Also called: Desminopathy; MYOFIBRILLAR MYOPATHY WITH ARRHYTHMOGENIC RIGHT VENTRICULAR CARDIOMYOPATHY; DESMIN-RELATED MYOPATHY WITH ARRHYTHMOGENIC RIGHT VENTRICULAR CARDIOMYOPATHY; Myofibrillar myopathy 1; Desmin related myopathy (former name); Desmin storage myopathy (former name). Identifiers: Orphanet 363543, Orphanet 98909, MedGen C1832370, MONDO:0011076, OMIM 601419.
DES-related disorder. Also called: DES-related condition.

Allele frequency attached by ClinVar (database versions not stated): gnomAD 0.00001.
gnomAD v4.1: 9 of 1,614,076 alleles (0.00056%); highest among the groups gnomAD compares: East Asian, 0.0045%; no homozygotes.

Submissions (2):

PreventionGenetics, part of Exact Sciences
Classification: Uncertain significance for DES-related condition. Last evaluated: 2026-09-11. Review status: criteria provided, single submitter. Criteria: ACMG Guidelines, 2015. Collection method: clinical testing. Allele origin: germline.
Comment: The DES c.1106G>A variant is predicted to result in the amino acid substitution p.Arg369His. To our knowledge, this variant has not been reported in the literature. This variant is reported in 0.0054% of alleles in individuals of East Asian descent in gnomAD. At this time, the clinical significance of this variant is uncertain due to the absence of conclusive functional and genetic evidence.

Labcorp Genetics (formerly Invitae), Labcorp
Classification: Uncertain significance for Desmin-related myofibrillar myopathy. Last evaluated: 2023-07-22. Review status: criteria provided, single submitter. Criteria: Invitae Variant Classification Sherloc (09022015). Collection method: clinical testing. Allele origin: germline.
Comment: This sequence change replaces arginine, which is basic and polar, with histidine, which is basic and polar, at codon 369 of the DES protein (p.Arg369His). This variant is present in population databases (no rsID available, gnomAD 0.006%). This variant has not been reported in the literature in individuals affected with DES-related conditions. Advanced modeling of protein sequence and biophysical properties (such as structural, functional, and spatial information, amino acid conservation, physicochemical variation, residue mobility, and thermodynamic stability) has been performed at Invitae for this missense variant, however the output from this modeling did not meet the statistical confidence thresholds required to predict the impact of this variant on DES protein function. In summary, the available evidence is currently insufficient to determine the role of this variant in disease. Therefore, it has been classified as a Variant of Uncertain Significance.

NM_001927.4(DES):c.1106G>A (p.Arg369His)

Gene: DES (desmin; plus strand). Cytogenetic location: 2q35.
Variant type: single nucleotide variant.
Coding change: c.1106G>A on transcript NM_001927.4 (MANE Select); coding-DNA position 1106, G replaced by A.
Protein change: p.Arg369His; replaces arginine 369 with histidine.
Molecular consequence: missense variant. On other transcripts: intron variant (1).
Genome position (GRCh38, 1-based): chr2:219,421,422, G>A. VCF-style: chr2-219421422-G-A. GRCh37 (hg19) VCF-style: chr2-220286144-G-A.
Other names: c.1103G>A, p.Arg368His (NM_001382708.1); c.1037G>A, p.Arg346His (NM_001382710.1); c.1085G>A, p.Arg362His (NM_001382711.1); c.1106G>A, p.Arg369His (NM_001382712.1); c.836G>A, p.Arg279His (NM_001382713.1); c.736-62G>A (NM_001382709.1); short protein forms R368H, R279H, R346H, R369H, R362H.
Identifiers: ClinVar variation 2928866 (VCV002928866.4), dbSNP rs1168604493, ClinGen allele CA350694257.